The following is an entry in ClinVar:

NM_001277058.2(ERCC6):c.1672G>C (p.Val558Leu)

Genes: ERCC6 (ERCC excision repair 6, chromatin remodeling factor; minus strand), PGBD3 (piggyBac transposable element derived 3; minus strand). Cytogenetic location: 10q11.23.
Variant type: single nucleotide variant.
Coding change: c.1672G>C on transcript NM_001277058.2 (MANE Plus Clinical); coding-DNA position 1672, G replaced by C.
Protein change: p.Val558Leu; replaces valine 558 with leucine.
Molecular consequence: missense variant. On other transcripts: intron variant (2).
Genome position (GRCh38, 1-based): chr10:49,516,847, C>G on the plus strand (G>C on the coding strand, the complement: ERCC6 is on the minus strand). VCF-style: chr10-49516847-C-G. GRCh37 (hg19) VCF-style: chr10-50724893-C-G.
Other names: c.268G>C (NM_170753.2); c.1672G>C, p.Val558Leu (NM_001277059.2); c.268G>C, p.Val90Leu (NM_170753.3); c.1397+7186G>C (NM_001346440.2, NM_000124.4); short protein forms V558L, V90L.
Identifiers: ClinVar variation 1712714 (VCV001712714.4), dbSNP rs374594438, ClinGen allele CA206617391.
Genomic context (GRCh38, chr10:49,516,847, plus strand): 5'-TTTTTGTCATTTTCCTCCTCCTTGATGGTGGAGGTTGCTGCACAGTAAACGTAGATGGAA[C>G]TTCATCAGGAGAGTCATCTTTAGGTGCGTATGAGGGATCATCTGAGTCAGACTCAGCATC-3'
Protein context (NP_001263987.1, residues 548-568): YAPKDDSPDE[Val558Leu]PSTFTVQQPP

ClinVar aggregate classification (germline): Uncertain significance. Review status: criteria provided, multiple submitters, no conflicts (2 of 4 stars). 2 submissions from 2 submitters: Uncertain significance (2). Last evaluated 2024-08-10.

Allele frequency attached by ClinVar (database versions not stated): gnomAD 0.00001; ESP Exome Variant Server 0.00008; TOPMed 0.00002.
gnomAD v4.1: 15 of 1,614,074 alleles (0.00093%); highest among the groups gnomAD compares: Non-Finnish European, 0.0013%; no homozygotes.

Submissions (2):

Ambry Genetics
Classification: Uncertain significance. Last evaluated: 2024-08-10. Review status: criteria provided, single submitter. Criteria: Ambry Variant Classification Scheme 2023. Collection method: clinical testing. Allele origin: germline.

GeneDx
Classification: Uncertain significance. Last evaluated: 2022-12-14. Review status: criteria provided, single submitter. Criteria: GeneDx Variant Classification Process June 2021. Collection method: clinical testing. Allele origin: germline.
Comment: In silico analysis supports that this variant does not alter splicing; Has not been previously published as pathogenic or benign to our knowledge; Reported using an alternate transcript of the gene